The following is an entry in ClinVar:

ClinVar aggregate classification (germline): Pathogenic (1 of 4 stars; one submission).

Submission:

GeneDx
Classification: Pathogenic. Last evaluated: 2022-12-18. Review status: criteria provided, single submitter. Criteria: GeneDx Variant Classification Process June 2021. Collection method: clinical testing. Allele origin: germline. Affected: yes.
Comment: Observed in a patient with Nicolaides-Baraitser syndrome in published literature (Sousa et al., 2004); Not observed at significant frequency in large population cohorts (gnomAD); In silico analysis supports that this missense variant has a deleterious effect on protein structure/function; This variant is associated with the following publications: (PMID: 25169058)

NM_003070.5(SMARCA2):c.3484C>A (p.Arg1162Ser)

Gene: SMARCA2 (SWI/SNF related BAF chromatin remodeling complex subunit ATPase 2; plus strand). Cytogenetic location: 9p24.3.
Variant type: single nucleotide variant.
Coding change: c.3484C>A on transcript NM_003070.5 (MANE Select); coding-DNA position 3484, C replaced by A.
Protein change: p.Arg1162Ser; replaces arginine 1162 with serine.
Molecular consequence: missense variant.
Genome position (GRCh38, 1-based): chr9:2,115,849, C>A. VCF-style: chr9-2115849-C-A. GRCh37 (hg19) VCF-style: chr9-2115849-C-A.
Other names: c.3484C>A, p.Arg1162Ser (NM_001289396.2, NM_139045.4); c.3310C>A, p.Arg1104Ser (NM_001289397.2); short protein forms R1104S, R1162S.
Identifiers: ClinVar variation 1804427 (VCV001804427.1), dbSNP rs1057518414, ClinGen allele CA372788665.